The following is an entry in ClinVar:

NM_006904.7(PRKDC):c.2936T>A (p.Val979Glu)

Gene: PRKDC (protein kinase, DNA-activated, catalytic subunit; minus strand). Cytogenetic location: 8q11.21.
Variant type: single nucleotide variant.
Coding change: c.2936T>A on transcript NM_006904.7 (MANE Select); coding-DNA position 2936, T replaced by A.
Protein change: p.Val979Glu; replaces valine 979 with glutamic acid.
Molecular consequence: missense variant.
Genome position (GRCh38, 1-based): chr8:47,904,975, A>T on the plus strand (T>A on the coding strand, the complement: PRKDC is on the minus strand). VCF-style: chr8-47904975-A-T. GRCh37 (hg19) VCF-style: chr8-48817535-A-T.
Other names: c.2936T>A, p.Val979Glu (NM_001081640.2); short protein forms V979E.
Identifiers: ClinVar variation 2449849 (VCV002449849.2), dbSNP rs2551875912, ClinGen allele CA371157675.
Genomic context (GRCh38, chr8:47,904,975, plus strand): 5'-TTGTTGTTAGTGAACCAGTGAATCAGCTGCATAACTAGTGGCTCATACAGTTGCCTTGTC[A>T]CCTGAAGAAACAATACCATTAAAGTTAATTCCCTTCATGTTAAAGAAATGTTACGCTGTA-3'
Protein context (NP_008835.5, residues 969-989): LLRLACDVDQ[Val979Glu]TRQLYEPLVM

ClinVar aggregate classification (germline): Uncertain significance (1 of 4 stars; one submission).

Submission:

Ambry Genetics
Classification: Uncertain significance. Last evaluated: 2022-12-25. Review status: criteria provided, single submitter. Criteria: Ambry Variant Classification Scheme 2023. Collection method: clinical testing. Allele origin: germline.
Comment: The p.V979E variant (also known as c.2936T>A), located in coding exon 26 of the PRKDC gene, results from a T to A substitution at nucleotide position 2936. The valine at codon 979 is replaced by glutamic acid, an amino acid with dissimilar properties. This amino acid position is conserved. In addition, this alteration is predicted to be deleterious by in silico analysis. Since supporting evidence is limited at this time, the clinical significance of this alteration remains unclear.